The following is an entry in ClinVar:

NM_001202.6(BMP4):c.676del (p.Arg226fs)

Gene: BMP4 (bone morphogenetic protein 4; minus strand). Cytogenetic location: 14q22.2.
Variant type: Deletion.
Coding change: c.676del on transcript NM_001202.6 (MANE Select); coding-DNA position 676, one base deleted (C; older notation c.676delC).
Protein change: p.Arg226fs; shifts the reading frame from arginine 226.
Molecular consequence: frameshift variant.
Genome position (GRCh38, 1-based): chr14:53,950,583, G deleted on the plus strand (C on the coding strand, the reverse complement: BMP4 is on the minus strand); the first of 3 consecutive G bases (chr14:53,950,583-53,950,585); deleting any one gives the same sequence. VCF-style (leftmost placement, unchanged base first): chr14-53950582-CG-C. GRCh37 (hg19) VCF-style: chr14-54417300-CG-C.
Other names: c.817del, p.Arg273fs (NM_001347912.1); c.487del, p.Arg163fs (NM_001347913.2, NM_001347915.2, NM_001347917.1); c.676del, p.Arg226fs (NM_001347914.2, NM_001347916.1, NM_130850.5 and 1 more transcripts); short protein forms R163fs, R226fs, R273fs.
Identifiers: ClinVar variation 3365963 (VCV003365963.1).
Genomic context (GRCh38, chr14:53,950,582, plus strand): 5'-GTCCGAGTCTGATGGAGGTGAGTCACCTCAATGGCTAGCCCATAGTTTGGCTGCTTCTCC[CG>C]GGTCCAGCGAAGGACCGCAGGGCTCACATCAAAAGTTTCCCACCGTGTCACATTGTGGTG-3'

ClinVar aggregate classification (germline): Uncertain significance (1 of 4 stars; one submission).

Submission:

GeneDx
Classification: Uncertain significance. Last evaluated: 2023-12-17. Review status: criteria provided, single submitter. Criteria: GeneDx Variant Classification Process June 2021. Collection method: clinical testing. Allele origin: germline. Affected: yes.
Comment: Has not been previously published as pathogenic or benign to our knowledge; Not observed at significant frequency in large population cohorts (gnomAD); Frameshift variant predicted to result in abnormal protein length as the last 183 amino acids are replaced with 8 different amino acids